The following is an entry in ClinVar:

NM_000548.5(TSC2):c.4005+5G>T

Gene: TSC2 (TSC complex subunit 2; plus strand). Cytogenetic location: 16p13.3.
Variant type: single nucleotide variant.
Coding change: c.4005+5G>T on transcript NM_000548.5 (MANE Select); 5 bases into the intron after coding-DNA position 4005, G replaced by T.
Molecular consequence: intron variant.
Genome position (GRCh38, 1-based): chr16:2,083,821, G>T. VCF-style: chr16-2083821-G-T. GRCh37 (hg19) VCF-style: chr16-2133822-G-T.
Other names: c.2463+5G>T (NM_001406693.1, NM_001406692.1, NM_001406694.1); c.3897+5G>T (NM_001406667.1); c.3894+5G>T (NM_001406668.1); c.3405+5G>T (NM_001406680.1); c.3336+5G>T (NM_001406683.1, NM_001406682.1); c.3204+5G>T (NM_001406687.1, NM_001406688.1); c.2592+5G>T (NM_001406689.1); c.2532+5G>T (NM_001406690.1); and 26 more.
Identifiers: ClinVar variation 3692709 (VCV003692709.2).

ClinVar aggregate classification (germline): Uncertain significance (1 of 4 stars; one submission).

Conditions:
Tuberous sclerosis 2 (TSC2). Identifiers: Orphanet 805, MedGen C1860707, MONDO:0013199, OMIM 613254.

Submission:

Labcorp Genetics (formerly Invitae), Labcorp
Classification: Uncertain significance for Tuberous sclerosis 2. Last evaluated: 2024-09-18. Review status: criteria provided, single submitter. Criteria: Invitae Variant Classification Sherloc (09022015). Collection method: clinical testing. Allele origin: germline.
Comment: This sequence change falls in intron 33 of the TSC2 gene. It does not directly change the encoded amino acid sequence of the TSC2 protein. It affects a nucleotide within the consensus splice site. This variant is not present in population databases (gnomAD no frequency). This variant has not been reported in the literature in individuals affected with TSC2-related conditions. Variants that disrupt the consensus splice site are a relatively common cause of aberrant splicing (PMID: 17576681, 9536098). Algorithms developed to predict the effect of sequence changes on RNA splicing suggest that this variant may disrupt the consensus splice site. In summary, the available evidence is currently insufficient to determine the role of this variant in disease. Therefore, it has been classified as a Variant of Uncertain Significance.

Literature cited by the submitters: PubMed 17576681; PubMed 9536098.